The following is an entry in ClinVar:

NM_031206.7(LAS1L):c.2126GCA[5] (p.Ser712_Asn713insSer)

Gene: LAS1L (LAS1 like ribosome biogenesis factor; minus strand). Cytogenetic location: Xq12.
Variant type: Microsatellite.
Coding change: c.2126GCA[5] on transcript NM_031206.7 (MANE Select); five copies in a row of the 3-base unit GCA starting at c.2126; the reference has four copies in a row; one copy, 3 bases duplicated.
Protein change: p.Ser712_Asn713insSer.
Molecular consequence: non-coding transcript variant (on NR_164681.1).
Genome position (GRCh38, 1-based): chrX:65,512,843-65,512,845, TGC duplicated on the plus strand (GCA on the coding strand, the reverse complement: LAS1L is on the minus strand); duplicating any 3 consecutive bases within chrX:65,512,843-65,512,856 gives the same sequence; the position shown is the placement nearest the transcript's 3' end. VCF-style (leftmost placement, unchanged base first): chrX-65512842-T-TTGC. GRCh37 (hg19) VCF-style: chrX-64732722-T-TTGC.
Other names: c.2075GCA[5], p.Ser695_Asn696insSer (NM_001170649.2); c.1949GCA[5], p.Ser653_Asn654insSer (NM_001170650.2); c.2123GCA[5], p.Ser711_Asn712insSer (NM_001375328.1); c.1169GCA[5], p.Ser393_Asn394insSer (NM_001375332.1); c.2072GCA[5], p.Ser694_Asn695insSer (NM_001375333.1).
Identifiers: ClinVar variation 4088224 (VCV004088224.1).

ClinVar aggregate classification (germline): Uncertain significance (1 of 4 stars; one submission).

Submission:

GeneDx
Classification: Uncertain significance. Last evaluated: 2025-03-25. Review status: criteria provided, single submitter. Criteria: GeneDx Variant Classification Process June 2021. Collection method: clinical testing. Allele origin: germline. Affected: yes.
Comment: Not observed at significant frequency in large population cohorts (gnomAD); In-frame duplication of 1 amino acid(s) in a repetitive region with no known function; Has not been previously published as pathogenic or benign to our knowledge